The following is an entry in ClinVar:

NM_022095.4(ZNF335):c.1552G>A (p.Val518Met)

Gene: ZNF335 (zinc finger protein 335; minus strand). Cytogenetic location: 20q13.12.
Variant type: single nucleotide variant.
Coding change: c.1552G>A on transcript NM_022095.4 (MANE Select); coding-DNA position 1552, G replaced by A.
Protein change: p.Val518Met; replaces valine 518 with methionine.
Molecular consequence: missense variant.
Genome position (GRCh38, 1-based): chr20:45,962,164, C>T on the plus strand (G>A on the coding strand, the complement: ZNF335 is on the minus strand). VCF-style: chr20-45962164-C-T. GRCh37 (hg19) VCF-style: chr20-44590803-C-T.
Other names: short protein forms V518M.
Identifiers: ClinVar variation 1203489 (VCV001203489.9), dbSNP rs768453184, ClinGen allele CA9885689.
Genomic context (GRCh38, chr20:45,962,164, plus strand): 5'-CGTCCTTCCGGTAGACACTGGTGTAGCTGCACTCGTCACACTTGTAGGGCTTGCTGCCCA[C>T]GTGGTTGAACATGTGCTCCTGGGAGACAGACAAAAGGATGGTGGGCTGGGGCTTGGCCTC-3'
Protein context (NP_071378.1, residues 508-528): SSLKEHMFNH[Val518Met]GSKPYKCDEC

ClinVar aggregate classification (germline): Conflicting classifications of pathogenicity. Review status: criteria provided, conflicting classifications (1 of 4 stars). 2 submissions from 2 submitters: Uncertain significance (1); Likely benign (1). Last evaluated 2024-01-22.

Allele frequency attached by ClinVar (database versions not stated): gnomAD 0.00001 and 0.00002; gnomAD exomes 0.00001; ExAC 0.00002; TOPMed 0.00004.
gnomAD v4.1: 25 of 1,613,992 alleles (0.0015%); highest among the groups gnomAD compares: Admixed American, 0.033%; 1 homozygote.

Submissions (2):

Labcorp Genetics (formerly Invitae), Labcorp
Classification: Uncertain significance. Last evaluated: 2024-01-22. Review status: criteria provided, single submitter. Criteria: Invitae Variant Classification Sherloc (09022015). Collection method: clinical testing. Allele origin: germline.
Comment: This sequence change replaces valine, which is neutral and non-polar, with methionine, which is neutral and non-polar, at codon 518 of the ZNF335 protein (p.Val518Met). This variant is present in population databases (rs768453184, gnomAD 0.04%), including at least one homozygous and/or hemizygous individual. This variant has not been reported in the literature in individuals affected with ZNF335-related conditions. ClinVar contains an entry for this variant (Variation ID: 1203489). Advanced modeling of protein sequence and biophysical properties (such as structural, functional, and spatial information, amino acid conservation, physicochemical variation, residue mobility, and thermodynamic stability) performed at Invitae indicates that this missense variant is not expected to disrupt ZNF335 protein function with a negative predictive value of 80%. In summary, the available evidence is currently insufficient to determine the role of this variant in disease. Therefore, it has been classified as a Variant of Uncertain Significance.

GeneDx
Classification: Likely benign. Last evaluated: 2019-09-24. Review status: criteria provided, single submitter. Criteria: GeneDx Variant Classification Process June 2021. Collection method: clinical testing. Allele origin: germline. Affected: yes.
Comment: In silico analysis, which includes protein predictors and evolutionary conservation, supports that this variant does not alter protein structure/function